The following is an entry in ClinVar:

NM_003280.3(TNNC1):c.45G>T (p.Glu15Asp)

Gene: TNNC1 (troponin C1, slow skeletal and cardiac type; minus strand). Cytogenetic location: 3p21.1.
Variant type: single nucleotide variant.
Coding change: c.45G>T on transcript NM_003280.3 (MANE Select); coding-DNA position 45, G replaced by T.
Protein change: p.Glu15Asp; replaces glutamic acid 15 with aspartic acid.
Molecular consequence: missense variant.
Genome position (GRCh38, 1-based): chr3:52,452,493, C>A on the plus strand (G>T on the coding strand, the complement: TNNC1 is on the minus strand). VCF-style: chr3-52452493-C-A. GRCh37 (hg19) VCF-style: chr3-52486509-C-A.
Other names: short protein forms E15D.
Identifiers: ClinVar variation 4785181 (VCV004785181.1).

ClinVar aggregate classification (germline): Uncertain significance (1 of 4 stars; one submission).

Conditions:
Hypertrophic cardiomyopathy 13. Also called: TNNC1-Related Familial Hypertrophic Cardiomyopathy. Identifiers: MedGen C2750472, MONDO:0013195, OMIM 613243.
Dilated cardiomyopathy 1Z (CMD1Z). Identifiers: Orphanet 154, MedGen C2678475, MONDO:0012745, OMIM 611879.

Submission:

Labcorp Genetics (formerly Invitae), Labcorp
Classification: Uncertain significance for Hypertrophic cardiomyopathy 13; Dilated cardiomyopathy 1Z. Last evaluated: 2025-06-09. Review status: criteria provided, single submitter. Criteria: Invitae Variant Classification Sherloc (09022015). Collection method: clinical testing. Allele origin: germline.
Comment: This sequence change replaces glutamic acid, which is acidic and polar, with aspartic acid, which is acidic and polar, at codon 15 of the TNNC1 protein (p.Glu15Asp). This variant is not present in population databases (gnomAD no frequency). This variant has not been reported in the literature in individuals affected with TNNC1-related conditions. An algorithm developed to predict the effect of missense changes on protein structure and function (PolyPhen-2) suggests that this variant is likely to be disruptive. In summary, the available evidence is currently insufficient to determine the role of this variant in disease. Therefore, it has been classified as a Variant of Uncertain Significance.